The following is an entry in ClinVar:

ClinVar aggregate classification (germline): Uncertain significance (1 of 4 stars; one submission).

Conditions:
Hereditary cancer-predisposing syndrome. Also called: Neoplastic Syndromes, Hereditary; Tumor predisposition; Hereditary Cancer Syndrome; Hereditary neoplastic syndrome. Identifiers: Orphanet 140162, MedGen C0027672, MeSH D009386, MONDO:0015356.

Submission:

Ambry Genetics
Classification: Uncertain significance for Hereditary cancer-predisposing syndrome. Last evaluated: 2021-03-11. Review status: criteria provided, single submitter. Criteria: Ambry Variant Classification Scheme 2023. Collection method: clinical testing. Allele origin: germline.
Comment: The p.T716N variant (also known as c.2147C>A), located in coding exon 11 of the BARD1 gene, results from a C to A substitution at nucleotide position 2147. The threonine at codon 716 is replaced by asparagine, an amino acid with similar properties. This amino acid position is well conserved in available vertebrate species. In addition, this alteration is predicted to be tolerated by in silico analysis. Since supporting evidence is limited at this time, the clinical significance of this alteration remains unclear.

NM_000465.4(BARD1):c.2147C>A (p.Thr716Asn)

Gene: BARD1 (BRCA1 associated RING domain 1; minus strand). Cytogenetic location: 2q35.
Variant type: single nucleotide variant.
Coding change: c.2147C>A on transcript NM_000465.4 (MANE Select); coding-DNA position 2147, C replaced by A.
Protein change: p.Thr716Asn; replaces threonine 716 with asparagine.
Molecular consequence: missense variant. On other transcripts: non-coding transcript variant (3).
Genome position (GRCh38, 1-based): chr2:214,728,863, G>T on the plus strand (C>A on the coding strand, the complement: BARD1 is on the minus strand). VCF-style: chr2-214728863-G-T. GRCh37 (hg19) VCF-style: chr2-215593587-G-T.
Other names: c.2090C>A, p.Thr697Asn (NM_001282543.2); c.794C>A, p.Thr265Asn (NM_001282545.2); c.737C>A, p.Thr246Asn (NM_001282548.2); c.608C>A, p.Thr203Asn (NM_001282549.2); short protein forms T203N, T246N, T265N, T716N, T697N.
Identifiers: ClinVar variation 1786662 (VCV001786662.2), dbSNP rs1559372195, ClinGen allele CA350450481.